The following is an entry in ClinVar:

ClinVar aggregate classification (germline): Benign/Likely benign. Review status: criteria provided, multiple submitters, no conflicts (2 of 4 stars). 11 submissions from 11 submitters: Benign (7); Likely benign (1). 3 of the submissions do not count toward it. Last evaluated 2026-02-04.

Conditions:
Retinal dystrophy. Also called: Inherited retinal dystrophy. Identifiers: Orphanet 71862, MedGen C0854723, MeSH D058499, MONDO:0019118, HP:0000556.
Inborn genetic diseases. Identifiers: MedGen C0950123, MeSH D030342.
Retinitis pigmentosa (RP). Identifiers: Orphanet 791, MedGen C0035334, MeSH D012174, MONDO:0019200, OMIM 268000. Inheritance: Autosomal dominant, autosomal recessive and X linked inheritance.
Retinitis pigmentosa 25 (RP25). Identifiers: Orphanet 791, MedGen C1864446, MONDO:0011272, OMIM 602772.

Allele frequency attached by ClinVar (database versions not stated): 1000 Genomes Project 30x 0.09260; ESP Exome Variant Server 0.10846; 1000 Genomes Project 0.09385; TOPMed 0.10461; gnomAD exomes 0.10887; ExAC 0.11141.
gnomAD v4.1: 189,131 of 1,499,362 alleles (13%); highest among the groups gnomAD compares: East Asian, 15%; 13,185 homozygotes.

Submissions (11):

Labcorp Genetics (formerly Invitae), Labcorp
Classification: Benign. Last evaluated: 2026-02-04. Review status: criteria provided, single submitter. Criteria: Invitae Variant Classification Sherloc (09022015). Collection method: clinical testing. Allele origin: germline.

Women's Health and Genetics/Laboratory Corporation of America, LabCorp
Classification: Benign. Last evaluated: 2025-11-24. Review status: criteria provided, single submitter. Criteria: LabCorp Variant Classification Summary - May 2015. Collection method: clinical testing. Allele origin: germline.

Ambry Genetics
Classification: Likely benign for Inborn genetic diseases. Last evaluated: 2023-11-09. Review status: criteria provided, single submitter. Criteria: Ambry Variant Classification Scheme 2023. Collection method: clinical testing. Allele origin: germline.

Dept Of Ophthalmology, Nagoya University
Classification: Benign for Retinal dystrophy. Last evaluated: 2023-10-01. Review status: criteria provided, single submitter. Criteria: Submitter's publication. Collection method: research. Allele origin: germline. Affected: yes.

Genome-Nilou Lab
Classification: Benign for Retinitis pigmentosa 25. Last evaluated: 2021-07-01. Review status: criteria provided, single submitter. Criteria: ACMG Guidelines, 2015. Collection method: clinical testing. Allele origin: germline. Affected: no.

Illumina Laboratory Services, Illumina
Classification: Benign for Retinitis pigmentosa. Last evaluated: 2018-01-13. Review status: criteria provided, single submitter. Criteria: ICSL Variant Classification Criteria 13 December 2019. Collection method: clinical testing. Allele origin: germline.
Comment: This variant was observed in the ICSL laboratory as part of a predisposition screen in an ostensibly healthy population. It had not been previously curated by ICSL or reported in the Human Gene Mutation Database (HGMD: prior to June 1st, 2018), and was therefore a candidate for classification through an automated scoring system. Utilizing variant allele frequency, disease prevalence and penetrance estimates, and inheritance mode, an automated score was calculated to assess if this variant is too frequent to cause the disease. Based on the score and internal cut-off values, a variant classified as benign is not then subjected to further curation. The score for this variant resulted in a classification of benign for this disease.

Eurofins Ntd Llc (ga)
Classification: Benign. Last evaluated: 2013-09-19. Review status: criteria provided, single submitter. Criteria: EGL Classification Definitions 2015. Collection method: clinical testing. Allele origin: germline. Observed: 2 variant alleles, 2 heterozygotes.

GeneDx
Classification: Benign. Last evaluated: 2011-08-11. Review status: criteria provided, single submitter. Criteria: GeneDx Variant Classification (06012015). Collection method: clinical testing. Allele origin: germline. Affected: yes.
Comment: This variant is considered likely benign or benign based on one or more of the following criteria: it is a conservative change, it occurs at a poorly conserved position in the protein, it is predicted to be benign by multiple in silico algorithms, and/or has population frequency not consistent with disease.

Natera, Inc.
Classification: Benign for Retinitis pigmentosa. Last evaluated: 2020-09-16. Review status: no assertion criteria provided. Collection method: clinical testing. Allele origin: germline. Not counted in ClinVar's aggregate classification.

Clinical Genetics DNA and cytogenetics Diagnostics Lab, Erasmus MC, Erasmus Medical Center
Classification: Benign. Review status: no assertion criteria provided. Collection method: clinical testing. Allele origin: germline. Affected: yes. Study: VKGL Data-share Consensus. Not counted in ClinVar's aggregate classification.

Joint Genome Diagnostic Labs from Nijmegen and Maastricht, Radboudumc and MUMC+
Classification: Benign. Review status: no assertion criteria provided. Collection method: clinical testing. Allele origin: germline. Affected: yes. Study: VKGL Data-share Consensus. Not counted in ClinVar's aggregate classification.

NM_001142800.2(EYS):c.3906C>T (p.His1302=)

Gene: EYS (EGF-like photoreceptor maintenance factor; minus strand). Cytogenetic location: 6q12.
Variant type: single nucleotide variant.
Coding change: c.3906C>T on transcript NM_001142800.2 (MANE Select); coding-DNA position 3906, C replaced by T.
Protein change: p.His1302=; no amino-acid change (histidine 1302 retained).
Molecular consequence: synonymous variant.
Genome position (GRCh38, 1-based): chr6:64,591,961, G>A on the plus strand (C>T on the coding strand, the complement: EYS is on the minus strand). VCF-style: chr6-64591961-G-A. GRCh37 (hg19) VCF-style: chr6-65301854-G-A.
Other names: p.H1302H:CAC>CAT; c.3906C>T (FM209056.1); c.3906C>T, p.His1302= (NM_001292009.2).
Identifiers: ClinVar variation 93606 (VCV000093606.27), dbSNP rs12663916, ClinGen allele CA147126.
Genomic context (GRCh38, chr6:64,591,961, plus strand): 5'-GTAGCTTTCCAAGGGTGTGCTAATTCTTAATGTTGCCAAACCAGTGGTTGGGAGAATGTC[G>A]TGCTTGACAATGCCTGTCTGTTTTGGACCTACAAAAAGGAAAAAAGCCAAAAAGGTTAGA-3'
Protein context (NP_001136272.1, residues 1292-1312): QGPKQTGIVK[His1302=]DILPTTGLAT